The following is an entry in ClinVar:

ClinVar aggregate classification (germline): Pathogenic (1 of 4 stars; one submission).

Conditions:
Familial cancer of breast. Also called: BREAST CANCER, FAMILIAL; Hereditary breast cancer; hereditary breast carcinoma. Identifiers: Orphanet 227535, MedGen C0346153, MONDO:0016419, OMIM 114480. Disease mechanism: loss of function.

Submission:

Myriad Genetics, Inc.
Classification: Pathogenic for Familial cancer of breast. Last evaluated: 2023-08-22. Review status: criteria provided, single submitter. Criteria: Myriad Autosomal Dominant, Autosomal Recessive and X-Linked Classification Criteria (2023). Collection method: clinical testing. Allele origin: unknown.
Comment: This variant is considered pathogenic. This variant creates a termination codon and is predicted to result in premature protein truncation.

NM_000051.4(ATM):c.7349T>G (p.Leu2450Ter)

Genes: ATM (ATM serine/threonine kinase; plus strand), C11orf65 (chromosome 11 open reading frame 65; minus strand). Cytogenetic location: 11q22.3.
Variant type: single nucleotide variant.
Coding change: c.7349T>G on transcript NM_000051.4 (MANE Select); coding-DNA position 7349, T replaced by G.
Protein change: p.Leu2450Ter; replaces leucine 2450 with a stop codon.
Molecular consequence: nonsense. On other transcripts: intron variant (2).
Genome position (GRCh38, 1-based): chr11:108,330,255, T>G. VCF-style: chr11-108330255-T-G. GRCh37 (hg19) VCF-style: chr11-108200982-T-G.
Other names: c.7349T>G, p.Leu2450Ter (NM_001351834.2); c.641-21184A>C (NM_001330368.2); c.*38+4965A>C (NM_001351110.2); short protein forms L2450*.
Identifiers: ClinVar variation 2673299 (VCV002673299.1), dbSNP rs2136454370, ClinGen allele CA382559942.